The following is an entry in ClinVar:

NM_173630.4(RTTN):c.4652C>T (p.Thr1551Met)

Gene: RTTN (rotatin; minus strand). Cytogenetic location: 18q22.2.
Variant type: single nucleotide variant.
Coding change: c.4652C>T on transcript NM_173630.4 (MANE Select); coding-DNA position 4652, C replaced by T.
Protein change: p.Thr1551Met; replaces threonine 1551 with methionine.
Molecular consequence: missense variant.
Genome position (GRCh38, 1-based): chr18:70,073,907, G>A on the plus strand (C>T on the coding strand, the complement: RTTN is on the minus strand). VCF-style: chr18-70073907-G-A. GRCh37 (hg19) VCF-style: chr18-67741143-G-A.
Other names: c.1916C>T, p.Thr639Met (NM_001318520.2); short protein forms T639M, T1551M.
Identifiers: ClinVar variation 1487316 (VCV001487316.3), dbSNP rs200548446, ClinGen allele CA8995189.
Genomic context (GRCh38, chr18:70,073,907, plus strand): 5'-GCAAACTCAAATTTTTTCAGAGATTCAAAATAAAGGACTTATGCATTCTTTGCAAGTACC[G>A]TTGTTTCTGAGGTGGAGAGAGAACTTGGATCTCGATCCTGACTTGTCCTAGATGGAGCCC-3'
Protein context (NP_775901.3, residues 1541-1561): DPSSLSTSET[Thr1551Met]VAPSLGSTEF

ClinVar aggregate classification (germline): Uncertain significance (1 of 4 stars; one submission).

gnomAD v4.1: 30 of 1,606,946 alleles (0.0019%); highest among the groups gnomAD compares: Middle Eastern, 0.017%; no homozygotes.

Submission:

Labcorp Genetics (formerly Invitae), Labcorp
Classification: Uncertain significance. Last evaluated: 2022-08-09. Review status: criteria provided, single submitter. Criteria: Invitae Variant Classification Sherloc (09022015). Collection method: clinical testing. Allele origin: germline.
Comment: This sequence change replaces threonine, which is neutral and polar, with methionine, which is neutral and non-polar, at codon 1551 of the RTTN protein (p.Thr1551Met). This variant is present in population databases (rs200548446, gnomAD 0.007%). This variant has not been reported in the literature in individuals affected with RTTN-related conditions. ClinVar contains an entry for this variant (Variation ID: 1487316). Algorithms developed to predict the effect of missense changes on protein structure and function output the following: SIFT: "Tolerated"; PolyPhen-2: "Benign"; Align-GVGD: "Class C0". The methionine amino acid residue is found in multiple mammalian species, which suggests that this missense change does not adversely affect protein function. Algorithms developed to predict the effect of sequence changes on RNA splicing suggest that this variant may disrupt the consensus splice site. In summary, the available evidence is currently insufficient to determine the role of this variant in disease. Therefore, it has been classified as a Variant of Uncertain Significance.